The following is an entry in ClinVar:

ClinVar aggregate classification (germline): Likely pathogenic (1 of 4 stars; one submission).

Conditions:
PHF8-related disorder. Also called: PHF8-related condition.

Submission:

PreventionGenetics, part of Exact Sciences
Classification: Likely pathogenic for PHF8-related condition. Last evaluated: 2023-01-13. Review status: criteria provided, single submitter. Criteria: ACMG Guidelines, 2015. Collection method: clinical testing. Allele origin: germline.
Comment: The PHF8 c.783+2delT variant is predicted to result in a deletion affecting a canonical splice site. To our knowledge, this variant has not been reported in the literature or in a large population database, indicating this variant is rare. This variant is interpreted as likely pathogenic.

NM_015107.3(PHF8):c.783+2del

Gene: PHF8 (PHD finger protein 8; minus strand). Cytogenetic location: Xp11.22.
Variant type: Deletion.
Coding change: c.783+2del on transcript NM_015107.3 (MANE Select); the canonical splice donor site of the intron after coding-DNA position 783, one base deleted (T; older notation c.783+2delT).
Molecular consequence: splice donor variant.
Genome position (GRCh38, 1-based): chrX:54,014,375, A deleted on the plus strand (T on the coding strand, the reverse complement: PHF8 is on the minus strand). VCF-style (leftmost placement, unchanged base first): chrX-54014374-TA-T. GRCh37 (hg19) VCF-style: chrX-54040807-TA-T.
Other names: c.891+2del (NM_001184896.1); c.783+2del (NM_001184897.2, NM_001184898.2).
Identifiers: ClinVar variation 2630075 (VCV002630075.1), dbSNP rs2519674440, ClinGen allele CA2695200206.